The following is an entry in ClinVar:

ClinVar aggregate classification (germline): Conflicting classifications of pathogenicity. Review status: criteria provided, conflicting classifications (1 of 4 stars). 4 submissions from 4 submitters: Uncertain significance (1); Benign (1); Likely benign (1). 1 of the submissions does not count toward it. Last evaluated 2026-01-20.

Conditions:
Bardet-Biedl syndrome (BBS). Identifiers: Orphanet 110, MedGen C0752166, MONDO:0015229.
BBS4-related disorder. Also called: BBS4-related condition.
Bardet-Biedl syndrome 4 (BBS4). Identifiers: Orphanet 110, MedGen C2936864, MONDO:0014433, OMIM 615982.

Submissions (4):

Labcorp Genetics (formerly Invitae), Labcorp
Classification: Benign for Bardet-Biedl syndrome. Last evaluated: 2026-01-20. Review status: criteria provided, single submitter. Criteria: Invitae Variant Classification Sherloc (09022015). Collection method: clinical testing. Allele origin: germline.

Blueprint Genetics
Classification: Uncertain significance. Last evaluated: 2024-04-18. Review status: criteria provided, single submitter. Criteria: ACMG Guidelines, 2015. Collection method: clinical testing. Allele origin: germline.

Fulgent Genetics
Classification: Likely benign for Bardet-Biedl syndrome 4. Last evaluated: 2021-08-20. Review status: criteria provided, single submitter. Criteria: ACMG Guidelines, 2015. Collection method: clinical testing. Allele origin: unknown.

PreventionGenetics, part of Exact Sciences
Classification: Likely benign for BBS4-related condition. Last evaluated: 2023-06-23. Review status: no assertion criteria provided. Collection method: clinical testing. Allele origin: germline. Not counted in ClinVar's aggregate classification.
Comment: This variant is classified as likely benign based on ACMG/AMP sequence variant interpretation guidelines (Richards et al. 2015 PMID: 25741868, with internal and published modifications).

NM_033028.5(BBS4):c.1223_1225dup (p.Asn408dup)

Gene: BBS4 (Bardet-Biedl syndrome 4; plus strand). Cytogenetic location: 15q24.1.
Variant type: Duplication.
Coding change: c.1223_1225dup on transcript NM_033028.5 (MANE Select); coding-DNA positions 1223 to 1225, 3 bases duplicated (ATA; older notation c.1223_1225dupATA).
Protein change: p.Asn408dup; duplicates asparagine 408.
Molecular consequence: inframe insertion. On other transcripts: non-coding transcript variant (2).
Genome position (GRCh38, 1-based): chr15:72,735,941-72,735,943, ATA duplicated; duplicating any 3 consecutive bases within chr15:72,735,940-72,735,943 gives the same sequence; the c. name uses the placement nearest the transcript's 3' end. VCF-style (leftmost placement, unchanged base first): chr15-72735939-C-CAAT. GRCh37 (hg19) VCF-style: chr15-73028280-C-CAAT.
Other names: c.1223_1225dup (NM_033028.4); c.707_709dup, p.Asn236dup (NM_001252678.2); c.1154_1156dup, p.Asn385dup (NM_001320665.2).
Identifiers: ClinVar variation 695854 (VCV000695854.14), dbSNP rs752690768, ClinGen allele CA7646951.